The following is an entry in ClinVar:

NM_025074.7(FRAS1):c.8465del (p.Ile2822fs)

Genes: FRAS1 (Fraser extracellular matrix complex subunit 1; plus strand), LOC126807088 (CDK7 strongly-dependent group 2 enhancer GRCh37_chr4:79402250-79403449; plus strand). Cytogenetic location: 4q21.21.
Variant type: Deletion.
Coding change: c.8465del on transcript NM_025074.7 (MANE Select); coding-DNA position 8465, one base deleted (T; older notation c.8465delT).
Protein change: p.Ile2822fs; shifts the reading frame from isoleucine 2822.
Molecular consequence: frameshift variant.
Genome position (GRCh38, 1-based): chr4:78,481,825, T deleted. VCF-style (leftmost placement, unchanged base first): chr4-78481824-AT-A. GRCh37 (hg19) VCF-style: chr4-79402978-AT-A.
Other names: short protein forms I2822fs.
Identifiers: ClinVar variation 2711218 (VCV002711218.3), dbSNP rs2475761079, ClinGen allele CA2697546782.
Genomic context (GRCh38, chr4:78,481,824, plus strand): 5'-TCAAAGTTGACCATTAAAATCTCTATGAATCTTAATTCAGGCACAGTAAAGATTCCAGTT[AT>A]CCGCCATGGTACTGACCTCTCTACTTTCGCATCTGTCTGGTGTGCAACGCGGCCCTCAGA-3'

ClinVar aggregate classification (germline): Pathogenic (1 of 4 stars; one submission).

Submission:

Labcorp Genetics (formerly Invitae), Labcorp
Classification: Pathogenic. Last evaluated: 2024-01-25. Review status: criteria provided, single submitter. Criteria: Invitae Variant Classification Sherloc (09022015). Collection method: clinical testing. Allele origin: germline.
Comment: This sequence change creates a premature translational stop signal (p.Ile2822Thrfs*51) in the FRAS1 gene. It is expected to result in an absent or disrupted protein product. Loss-of-function variants in FRAS1 are known to be pathogenic (PMID: 12766769, 18671281). This variant is not present in population databases (gnomAD no frequency). This variant has not been reported in the literature in individuals affected with FRAS1-related conditions. For these reasons, this variant has been classified as Pathogenic.

Literature cited by the submitters: PubMed 12766769; PubMed 18671281.